The following is an entry in ClinVar:

ClinVar aggregate classification (germline): Uncertain significance. Review status: criteria provided, multiple submitters, no conflicts (2 of 4 stars). 3 submissions from 3 submitters: Uncertain significance (3). Last evaluated 2025-10-18.

Conditions:
X-linked severe congenital neutropenia (SCNX). Identifiers: Orphanet 86788, MedGen C1845987, MONDO:0010294, OMIM 300299.
Wiskott-Aldrich syndrome (WAS). Also called: Wiskott-aldrich syndrome, somatic; ALDRICH SYNDROME; IMMUNODEFICIENCY 2; WISKOTT-ALDRICH SYNDROME 1. Identifiers: Orphanet 906, MedGen C0043194, MONDO:0010518, OMIM 301000.
Thrombocytopenia 1. Also called: X-linked thrombocytopenia with normal platelets; X-Linked Thrombocytopenia (XLT); THROMBOCYTOPENIA, X-LINKED, 1. Identifiers: Orphanet 268322, Orphanet 852, MedGen C1839163, MONDO:0010743, OMIM 313900.
Inborn genetic diseases. Identifiers: MedGen C0950123, MeSH D030342.
WAS-related disorder. Also called: WAS-related condition; WAS-Related Disorders. Identifiers: MedGen CN381538.

Allele frequency attached by ClinVar (database versions not stated): TOPMed below 0.00001; gnomAD 0.00001; gnomAD exomes 0.00001 and 0.00002.
gnomAD v4.1: 25 of 1,207,888 alleles (0.0021%); highest among the groups gnomAD compares: Non-Finnish European, 0.0028%; no homozygotes.

Submissions (3):

Ambry Genetics
Classification: Uncertain significance for Inborn genetic diseases. Last evaluated: 2025-10-18. Review status: criteria provided, single submitter. Criteria: Ambry Variant Classification Scheme 2023. Collection method: clinical testing. Allele origin: germline.

PreventionGenetics, part of Exact Sciences
Classification: Uncertain significance for WAS-related condition. Last evaluated: 2024-12-05. Review status: criteria provided, single submitter. Criteria: ACMG Guidelines, 2015. Collection method: clinical testing. Allele origin: germline.
Comment: The WAS c.844A>G variant is predicted to result in the amino acid substitution p.Thr282Ala. To our knowledge, this variant has not been reported in the literature. This variant is reported in 0.0013% of alleles in individuals of European (non-Finnish) descent in gnomAD. At this time, the clinical significance of this variant is uncertain due to the absence of conclusive functional and genetic evidence.

Labcorp Genetics (formerly Invitae), Labcorp
Classification: Uncertain significance for Wiskott-Aldrich syndrome; X-linked severe congenital neutropenia; Thrombocytopenia 1. Last evaluated: 2022-02-09. Review status: criteria provided, single submitter. Criteria: Invitae Variant Classification Sherloc (09022015). Collection method: clinical testing. Allele origin: germline.
Comment: This sequence change replaces threonine, which is neutral and polar, with alanine, which is neutral and non-polar, at codon 282 of the WAS protein (p.Thr282Ala). The frequency data for this variant in the population databases is considered unreliable, as metrics indicate poor data quality at this position in the gnomAD database. This variant has not been reported in the literature in individuals affected with WAS-related conditions. ClinVar contains an entry for this variant (Variation ID: 1013735). Algorithms developed to predict the effect of missense changes on protein structure and function are either unavailable or do not agree on the potential impact of this missense change (SIFT: "Not Available"; PolyPhen-2: "Benign"; Align-GVGD: "Not Available"). In summary, the available evidence is currently insufficient to determine the role of this variant in disease. Therefore, it has been classified as a Variant of Uncertain Significance.

NM_000377.3(WAS):c.844A>G (p.Thr282Ala)

Gene: WAS (WASP actin nucleation promoting factor; plus strand). Cytogenetic location: Xp11.23.
Variant type: single nucleotide variant.
Coding change: c.844A>G on transcript NM_000377.3 (MANE Select); coding-DNA position 844, A replaced by G.
Protein change: p.Thr282Ala; replaces threonine 282 with alanine.
Molecular consequence: missense variant.
Genome position (GRCh38, 1-based): chrX:48,688,366, A>G. VCF-style: chrX-48688366-A-G. GRCh37 (hg19) VCF-style: chrX-48546755-A-G.
Other names: c.844A>G (NM_000377.2); short protein forms T282A.
Identifiers: ClinVar variation 1013735 (VCV001013735.8), dbSNP rs1557007029, ClinGen allele CA412872292.